The following is an entry in ClinVar:

ClinVar aggregate classification (germline): Uncertain significance (1 of 4 stars; one submission).

Submission:

Women's Health and Genetics/Laboratory Corporation of America, LabCorp
Classification: Uncertain significance. Last evaluated: 2026-01-13. Review status: criteria provided, single submitter. Criteria: LabCorp Variant Classification Summary - May 2015. Collection method: clinical testing. Allele origin: germline.
Comment: Variant summary: ACVRL1 c.*2C>T is located in the untranslated mRNA region downstream of the termination codon. The variant was absent in 242660 control chromosomes. The available data on variant occurrences in the general population are insufficient to allow any conclusion about variant significance. To our knowledge, no occurrence of c.*2C>T in individuals affected with ACVRL1-related conditions and no experimental evidence demonstrating its impact on protein function have been reported. No submitters have cited clinical-significance assessments for this variant to ClinVar. Based on the evidence outlined above, the variant was classified as uncertain significance.

NM_000020.3(ACVRL1):c.*2C>T

Gene: ACVRL1 (activin A receptor like type 1; plus strand). Cytogenetic location: 12q13.13.
Variant type: single nucleotide variant.
Coding change: c.*2C>T on transcript NM_000020.3 (MANE Select); 2 bases downstream of the stop codon, C replaced by T.
Molecular consequence: 3 prime UTR variant.
Genome position (GRCh38, 1-based): chr12:51,920,895, C>T. VCF-style: chr12-51920895-C-T. GRCh37 (hg19) VCF-style: chr12-52314679-C-T.
Other names: c.*2C>T (NM_001077401.2, NM_001406487.1, NM_001406490.1 and 4 more transcripts).
Identifiers: ClinVar variation 4689443 (VCV004689443.1).